The following is an entry in ClinVar:

NM_018941.4(CLN8):c.495C>T (p.Leu165=)

Gene: CLN8 (CLN8 transmembrane ER and ERGIC protein; plus strand). Cytogenetic location: 8p23.3.
Variant type: single nucleotide variant.
Coding change: c.495C>T on transcript NM_018941.4 (MANE Select); coding-DNA position 495, C replaced by T.
Protein change: p.Leu165=; no amino-acid change (leucine 165 retained).
Molecular consequence: synonymous variant.
Genome position (GRCh38, 1-based): chr8:1,771,549, C>T. VCF-style: chr8-1771549-C-T. GRCh37 (hg19) VCF-style: chr8-1719715-C-T.
Identifiers: ClinVar variation 392585 (VCV000392585.13), dbSNP rs772106347, ClinGen allele CA4599274.

ClinVar aggregate classification (germline): Likely benign. Review status: criteria provided, multiple submitters, no conflicts (2 of 4 stars). 3 submissions from 3 submitters: Likely benign (2). 1 of the submissions does not count toward it. Last evaluated 2024-10-15.

Conditions:
Neuronal ceroid lipofuscinosis. Also called: Neuronal Ceroid Lipofuscinoses. Identifiers: Orphanet 216, Orphanet 79263, MedGen C0027877, MONDO:0016295. Disease mechanism: loss of function.
CLN8-related disorder. Also called: CLN8-related condition.

Allele frequency attached by ClinVar (database versions not stated): TOPMed below 0.00001; ExAC 0.00001.
gnomAD v4.1: 9 of 1,614,138 alleles (0.00056%); highest among the groups gnomAD compares: Middle Eastern, 0.016%; no homozygotes.

Submissions (3):

Labcorp Genetics (formerly Invitae), Labcorp
Classification: Likely benign for Neuronal ceroid lipofuscinosis. Last evaluated: 2024-10-15. Review status: criteria provided, single submitter. Criteria: Invitae Variant Classification Sherloc (09022015). Collection method: clinical testing. Allele origin: germline.

GeneDx
Classification: Likely benign. Last evaluated: 2017-01-12. Review status: criteria provided, single submitter. Criteria: GeneDx Variant Classification (06012015). Collection method: clinical testing. Allele origin: germline. Affected: yes.
Comment: This variant is considered likely benign or benign based on one or more of the following criteria: it is a conservative change, it occurs at a poorly conserved position in the protein, it is predicted to be benign by multiple in silico algorithms, and/or has population frequency not consistent with disease.

PreventionGenetics, part of Exact Sciences
Classification: Likely benign for CLN8-related condition. Last evaluated: 2019-05-28. Review status: no assertion criteria provided. Collection method: clinical testing. Allele origin: germline. Not counted in ClinVar's aggregate classification.
Comment: This variant is classified as likely benign based on ACMG/AMP sequence variant interpretation guidelines (Richards et al. 2015 PMID: 25741868, with internal and published modifications).